The following is an entry in ClinVar:

NM_000138.5(FBN1):c.8152T>G (p.Cys2718Gly)

Gene: FBN1 (fibrillin 1; minus strand). Cytogenetic location: 15q21.1.
Variant type: single nucleotide variant.
Coding change: c.8152T>G on transcript NM_000138.5 (MANE Select); coding-DNA position 8152, T replaced by G.
Protein change: p.Cys2718Gly; replaces cysteine 2718 with glycine.
Molecular consequence: missense variant.
Genome position (GRCh38, 1-based): chr15:48,412,643, A>C on the plus strand (T>G on the coding strand, the complement: FBN1 is on the minus strand). VCF-style: chr15-48412643-A-C. GRCh37 (hg19) VCF-style: chr15-48704840-A-C.
Other names: c.8152T>G, p.Cys2718Gly (NM_001406716.1); short protein forms C2718G.
Identifiers: ClinVar variation 3600262 (VCV003600262.1).

ClinVar aggregate classification (germline): Uncertain significance (0 of 4 stars; one submission).

Conditions:
Marfan syndrome (MFS). Also called: MARFAN SYNDROME, TYPE I; Marfan syndrome type 1; Marfan's syndrome; FBN1-Related Marfan Syndrome; Marfan syndrome, classic. Identifiers: Orphanet 284963, Orphanet 558, MedGen C0024796, MONDO:0007947, OMIM 154700.

Submission:

Department of Laboratory Medicine and Genetics, Samsung Medical Center
Classification: Uncertain significance for Marfan syndrome. Last evaluated: 2025-01-02. Review status: no assertion criteria provided. Collection method: clinical testing. Allele origin: germline.
Comment: The NM_000138.5:c.8152T>G is considered to be rare in the general population database (gnomAD v2.1.1). This variant is predicted to be deleterious by in-silico analysis (REVEL). In summary, the available evidence is currently insufficient to evaluate the pathogenicity of this variant, resulting its classification as a variant of uncertain significance (PP2, PP3, PS2_P, PM2_P).

Literature cited by the submitters: PubMed 37558401.